The following is an entry in ClinVar:

NM_000141.5(FGFR2):c.1124A>T (p.Tyr375Phe)

Gene: FGFR2 (fibroblast growth factor receptor 2; minus strand). Cytogenetic location: 10q26.13.
Variant type: single nucleotide variant.
Coding change: c.1124A>T on transcript NM_000141.5 (MANE Select); coding-DNA position 1124, A replaced by T.
Protein change: p.Tyr375Phe; replaces tyrosine 375 with phenylalanine.
Molecular consequence: missense variant. On other transcripts: non-coding transcript variant (1), intron variant (1).
Genome position (GRCh38, 1-based): chr10:121,515,280, T>A on the plus strand (A>T on the coding strand, the complement: FGFR2 is on the minus strand). VCF-style: chr10-121515280-T-A. GRCh37 (hg19) VCF-style: chr10-123274794-T-A.
Other names: c.779A>T, p.Tyr260Phe (NM_001144916.2, NM_001144918.2); c.860A>T, p.Tyr287Phe (NM_001144919.2); c.440A>T, p.Tyr147Phe (NM_001320654.2); c.1124A>T, p.Tyr375Phe (NM_001320658.2); c.1127A>T, p.Tyr376Phe (NM_022970.4, NM_001144913.1); c.857A>T, p.Tyr286Phe (NM_023029.3, NM_001144915.2); c.939+4699A>T (NM_001144917.2); c.788A>T, p.Tyr263Phe (NM_001144914.1); short protein forms Y147F, Y260F, Y263F, Y286F, Y287F, Y375F, Y376F.
Identifiers: ClinVar variation 3075688 (VCV003075688.4), dbSNP rs121913478, ClinGen allele CA378327313.

ClinVar aggregate classification (germline): Conflicting classifications of pathogenicity. Review status: criteria provided, conflicting classifications (1 of 4 stars). 4 submissions from 4 submitters: Likely pathogenic (1); Uncertain significance (3). Last evaluated 2025-09-15.

Conditions:
LADD syndrome 1 (LADD1). Also called: Lacrimoauriculodentodigital syndrome 1. Identifiers: MedGen C5774323, MONDO:0100302, OMIM 149730.
Crouzon syndrome. Also called: CRANIOFACIAL DYSOSTOSIS, TYPE I; Craniofacial dysostosis; Craniofacial dysostosis type 1; Crouzon craniofacial dysostosis; Crouzon disease. Identifiers: Orphanet 207, MedGen C0010273, MeSH D003394, MONDO:0007405, OMIM 123500, HP:0004439.
Familial scaphocephaly syndrome, McGillivray type. Also called: SCAPHOCEPHALY, MAXILLARY RETRUSION, AND IMPAIRED INTELLECTUAL DEVELOPMENT. Identifiers: Orphanet 168624, MedGen C1865070, MONDO:0012307, OMIM 609579.
Gastric cancer. Also called: Stomach cancer; Malignant tumor of stomach. Identifiers: MedGen C0024623, MeSH D013274, MONDO:0001056, OMIM 613659, HP:0012126.
Pfeiffer syndrome (ACS5). Also called: ACS V. Identifiers: Orphanet 710, MedGen C0220658, MONDO:0007043, OMIM 101600.
Acrocephalosyndactyly type I (ACS1). Also called: Apert syndrome; Acrocephalo-syndactyly type 1; ACS 1; Syndactylic oxycephaly. Identifiers: Orphanet 87, MedGen C0001193, MONDO:0007041, OMIM 101200.
Beare-Stevenson cutis gyrata syndrome (BSTVS). Identifiers: Orphanet 1555, MedGen C1852406, MONDO:0007412, OMIM 123790.
Antley-Bixler syndrome without genital anomalies or disordered steroidogenesis (ABS2). Also called: MULTISYNOSTOTIC OSTEODYSGENESIS WITH LONG BONE FRACTURES; Antley-Bixler Syndrome, Autosomal Dominant; Trapezoidocephaly synostosis syndrome; Osteodysgenesis, multisynostotic with fractures. Identifiers: Orphanet 596008, Orphanet 83, MedGen C2936791, MONDO:0020667, OMIM 207410.
Saethre-Chotzen syndrome (SCS). Also called: ACROCEPHALY, SKULL ASYMMETRY, AND MILD SYNDACTYLY; ACS III; CHOTZEN SYNDROME. Identifiers: Orphanet 794, MedGen C0175699, MONDO:0007042, OMIM 101400.
Jackson-Weiss syndrome (JWS). Also called: CRANIOSYNOSTOSIS, MIDFACIAL HYPOPLASIA, AND FOOT ABNORMALITIES. Identifiers: Orphanet 1540, MedGen C0795998, MONDO:0007400, OMIM 123150. Disease mechanism: loss of function.
Bent bone dysplasia syndrome 1 (BBDS1). Also called: FGFR2-related bent bone dysplasia. Identifiers: Orphanet 313855, MedGen C3281247, MONDO:0013815, OMIM 614592.
FGFR2-related craniosynostosis. Identifiers: MedGen CN231480.

Submissions (4):

Labcorp Genetics (formerly Invitae), Labcorp
Classification: Uncertain significance for FGFR2-related craniosynostosis. Last evaluated: 2025-09-15. Review status: criteria provided, single submitter. Criteria: Invitae Variant Classification Sherloc (09022015). Collection method: clinical testing. Allele origin: germline.
Comment: This sequence change replaces tyrosine, which is neutral and polar, with phenylalanine, which is neutral and non-polar, at codon 375 of the FGFR2 protein (p.Tyr375Phe). This variant is not present in population databases (gnomAD no frequency). This variant has not been reported in the literature in individuals affected with FGFR2-related conditions. ClinVar contains an entry for this variant (Variation ID: 3075688). Invitae Evidence Modeling of protein sequence and biophysical properties (such as structural, functional, and spatial information, amino acid conservation, physicochemical variation, residue mobility, and thermodynamic stability) indicates that this missense variant is not expected to disrupt FGFR2 protein function with a negative predictive value of 80%. This variant disrupts the p.Tyr375 amino acid residue in FGFR2. Other variant(s) that disrupt this residue have been determined to be pathogenic (PMID: 8696350, 12145519, 12900900, 16531735, 20856019, 21397175, 25706251, 27079505; internal data). This suggests that this residue is clinically significant, and that variants that disrupt this residue are likely to be disease-causing. In summary, the available evidence is currently insufficient to determine the role of this variant in disease. Therefore, it has been classified as a Variant of Uncertain Significance.

GeneDx
Classification: Uncertain significance. Last evaluated: 2025-05-30. Review status: criteria provided, single submitter. Criteria: GeneDx Variant Classification Process June 2021. Collection method: clinical testing. Allele origin: germline. Affected: yes.
Comment: Not observed at significant frequency in large population cohorts (gnomAD); In silico analysis supports that this missense variant has a deleterious effect on protein structure/function; Has not been previously published as pathogenic or benign to our knowledge

Fulgent Genetics
Classification: Uncertain significance for Acrocephalosyndactyly type I; Saethre-Chotzen syndrome; Pfeiffer syndrome; Jackson-Weiss syndrome; Crouzon syndrome; Beare-Stevenson cutis gyrata syndrome; LADD syndrome 1; Antley-Bixler syndrome without genital anomalies or disordered steroidogenesis; Familial scaphocephaly syndrome, McGillivray type; Gastric cancer; Bent bone dysplasia syndrome 1. Last evaluated: 2024-03-09. Review status: criteria provided, single submitter. Criteria: ACMG Guidelines, 2015. Collection method: clinical testing. Allele origin: germline.

Genomic Medicine Lab, University of California San Francisco
Classification: Likely pathogenic for Pfeiffer syndrome. Last evaluated: 2023-07-10. Review status: criteria provided, single submitter. Criteria: ACMG Guidelines, 2015. Collection method: clinical testing. Allele origin: paternal. Affected: no.

Literature cited by the submitters: PubMed 8696350 (cited by Labcorp Genetics (formerly Invitae), Labcorp); PubMed 12145519 (cited by Labcorp Genetics (formerly Invitae), Labcorp); PubMed 12900900 (cited by Labcorp Genetics (formerly Invitae), Labcorp); PubMed 16531735 (cited by Labcorp Genetics (formerly Invitae), Labcorp); PubMed 20856019 (cited by Labcorp Genetics (formerly Invitae), Labcorp); PubMed 21397175 (cited by Labcorp Genetics (formerly Invitae), Labcorp); PubMed 25706251 (cited by Labcorp Genetics (formerly Invitae), Labcorp); PubMed 27079505 (cited by Labcorp Genetics (formerly Invitae), Labcorp).